The following is an entry in ClinVar:

NM_001267550.2(TTN):c.7493del (p.Thr2498fs)

Gene: TTN (titin; minus strand). Cytogenetic location: 2q31.2.
Variant type: Deletion.
Coding change: c.7493del on transcript NM_001267550.2 (MANE Select); coding-DNA position 7493, one base deleted (C; older notation c.7493delC).
Protein change: p.Thr2498fs; shifts the reading frame from threonine 2498.
Molecular consequence: frameshift variant.
Genome position (GRCh38, 1-based): chr2:178,773,563, G deleted on the plus strand (C on the coding strand, the reverse complement: TTN is on the minus strand). VCF-style (leftmost placement, unchanged base first): chr2-178773562-AG-A. GRCh37 (hg19) VCF-style: chr2-179638289-AG-A.
Other names: c.7493del, p.Thr2498fs (NM_001256850.1, NM_133378.4, NM_133379.5); c.7355del, p.Thr2452fs (NM_003319.4, NM_133432.3, NM_133437.4); c.7355delC (NM_003319.4); short protein forms T2452fs, T2498fs.
Identifiers: ClinVar variation 1476203 (VCV001476203.9), dbSNP rs2154344697, ClinGen allele CA2573133971.

ClinVar aggregate classification (germline): Likely pathogenic. Review status: criteria provided, multiple submitters, no conflicts (2 of 4 stars). 2 submissions from 2 submitters: Likely pathogenic (2). Last evaluated 2025-07-25.

Conditions:
Cardiovascular phenotype. Identifiers: MedGen CN230736.
Dilated cardiomyopathy 1G (CMD1G). Identifiers: Orphanet 154, MedGen C1858763, MONDO:0011400, OMIM 604145.
Autosomal recessive limb-girdle muscular dystrophy type 2J (LGMDR10). Also called: MUSCULAR DYSTROPHY, LIMB-GIRDLE, AUTOSOMAL RECESSIVE 10; Limb-girdle muscular dystrophy, type 2J. Identifiers: Orphanet 140922, MedGen C1837342, MONDO:0012127, OMIM 608807.

Submissions (2):

Ambry Genetics
Classification: Likely pathogenic for Cardiovascular phenotype. Last evaluated: 2025-07-25. Review status: criteria provided, single submitter. Criteria: Ambry Variant Classification Scheme 2023. Collection method: clinical testing. Allele origin: germline.
Comment: The c.7355delC (p.T2452Ifs*5) alteration, located in exon 31 (coding exon 30) of the TTN gene, consists of a deletion of one nucleotide at position 7355, causing a translational frameshift with a predicted alternate stop codon after 5 amino acids. This variant is expected to result in loss of function by premature protein truncation or nonsense-mediated mRNA decay. This variant was not reported in population-based cohorts in the Genome Aggregation Database (gnomAD). This exon is located in the I-band region of the N2-B isoform of the titin protein and is constitutively expressed in TTN transcripts (percent spliced in or PSI 100%). While truncating variants in TTN are present in 1-3% of the general population, truncating variants in the A-band are the most common cause of dilated cardiomyopathy (Herman, 2012; Roberts, 2015). TTN truncating variants encoded in constitutive exons (PSI >90%) have been found to be significantly associated with DCM regardless of their position in titin (Schafer, 2017; Akhtar, 2020; Massier, 2025). Based on the available evidence, this alteration is classified as likely pathogenic.

Labcorp Genetics (formerly Invitae), Labcorp
Classification: Likely pathogenic for Dilated cardiomyopathy 1G; Autosomal recessive limb-girdle muscular dystrophy type 2J. Last evaluated: 2024-10-28. Review status: criteria provided, single submitter. Criteria: Invitae Variant Classification Sherloc (09022015). Collection method: clinical testing. Allele origin: germline.
Comment: This sequence change creates a premature translational stop signal (p.Thr2498Ilefs*5) in the TTN gene. While this is not anticipated to result in nonsense mediated decay, it is expected to create a truncated TTN protein. This variant is not present in population databases (gnomAD no frequency). This variant has not been observed in the literature in individuals with autosomal recessive TTN-related conditions. This variant has been reported in individual(s) with dilated cardiomypathy (internal data); however, the role of the variant in this condition is currently unclear. ClinVar contains an entry for this variant (Variation ID: 1476203). Algorithms developed to predict the effect of sequence changes on RNA splicing suggest that this variant may disrupt the consensus splice site. This variant is located in the I band of TTN (PMID: 25589632). Truncating variants in this region have been reported in individuals affected with autosomal recessive centronuclear myopathy (PMID: 23975875, internal data). Truncating variants in this region have also been identified in individuals affected with autosomal dominant dilated cardiomyopathy and/or cardio-related conditions (PMID: 27869827, 32964742, internal data). In summary, the currently available evidence indicates that the variant is pathogenic, but additional data are needed to prove that conclusively. Therefore, this variant has been classified as Likely Pathogenic.

Literature cited by the submitters: PubMed 22335739 (cited by Ambry Genetics); PubMed 25589632 (cited by Ambry Genetics and Labcorp Genetics (formerly Invitae), Labcorp); PubMed 27869827 (cited by Ambry Genetics and Labcorp Genetics (formerly Invitae), Labcorp); PubMed 32964742 (cited by Ambry Genetics and Labcorp Genetics (formerly Invitae), Labcorp); PubMed 39844436 (cited by Ambry Genetics); PubMed 23975875 (cited by Labcorp Genetics (formerly Invitae), Labcorp).